The following is an entry in ClinVar:

ClinVar aggregate classification (germline): Pathogenic (1 of 4 stars; one submission).

Submission:

Labcorp Genetics (formerly Invitae), Labcorp
Classification: Pathogenic. Last evaluated: 2021-08-14. Review status: criteria provided, single submitter. Criteria: Invitae Variant Classification Sherloc (09022015). Collection method: clinical testing. Allele origin: germline.
Comment: A gross deletion of the genomic region encompassing the full coding sequence of the COL7A1 gene has been identified. Loss-of-function variants in COL7A1 are known to be pathogenic (PMID: 16971478). The boundaries of this event are unknown as they extend beyond the assayed region for this gene and therefore may encompass additional genes. Isolated whole-gene deletions of COL7A1 have not been reported in the literature. However, larger copy number events that include this gene have been reported (PMID: 26940370). For these reasons, this variant has been classified as Pathogenic.

Literature cited by the submitters: PubMed 16971478; PubMed 26940370.

NC_000003.11:g.(?_48601829)_(48632780_?)del

Gene: COL7A1 (collagen type VII alpha 1 chain; minus strand). Cytogenetic location: 3p21.31.
Variant type: Deletion.
Identifiers: ClinVar variation 1076745 (VCV001076745.4).